The following is an entry in ClinVar:

ClinVar aggregate classification (germline): Uncertain significance (1 of 4 stars; one submission).

Conditions:
Hereditary cancer-predisposing syndrome. Also called: Tumor predisposition; Hereditary Cancer Syndrome; Hereditary neoplastic syndrome; Neoplastic Syndromes, Hereditary. Identifiers: Orphanet 140162, MedGen C0027672, MeSH D009386, MONDO:0015356.

gnomAD v4.1: 1 of 1,614,240 alleles (0.000062%); highest among the groups gnomAD compares: African/African-American, 0.0013%; no homozygotes.

Submission:

Ambry Genetics
Classification: Uncertain significance for Hereditary cancer-predisposing syndrome. Last evaluated: 2024-06-19. Review status: criteria provided, single submitter. Criteria: Ambry Variant Classification Scheme 2023. Collection method: clinical testing. Allele origin: germline.
Comment: The p.H270L variant (also known as c.809A>T), located in coding exon 5 of the CTNNA1 gene, results from an A to T substitution at nucleotide position 809. The histidine at codon 270 is replaced by leucine, an amino acid with similar properties. This amino acid position is conserved. In addition, this alteration is predicted to be tolerated by in silico analysis. Based on the available evidence, the clinical significance of this variant remains unclear.

NM_001903.5(CTNNA1):c.809A>T (p.His270Leu)

Gene: CTNNA1 (catenin alpha 1; plus strand). Cytogenetic location: 5q31.2.
Variant type: single nucleotide variant.
Coding change: c.809A>T on transcript NM_001903.5 (MANE Select); coding-DNA position 809, A replaced by T.
Protein change: p.His270Leu; replaces histidine 270 with leucine.
Molecular consequence: missense variant.
Genome position (GRCh38, 1-based): chr5:138,824,750, A>T. VCF-style: chr5-138824750-A-T. GRCh37 (hg19) VCF-style: chr5-138160439-A-T.
Other names: c.809A>T, p.His270Leu (NM_001290307.3, NM_001323982.2, NM_001323983.1 and 3 more transcripts); c.500A>T, p.His167Leu (NM_001290309.3); c.440A>T, p.His147Leu (NM_001290310.3); short protein forms H147L, H270L, H167L.
Identifiers: ClinVar variation 3270108 (VCV003270108.1).
Genomic context (GRCh38, chr5:138,824,750, plus strand): 5'-AGGCGGTCACAGGCATTTCCAATGCAGCCCAGGCCACTGCCTCAGACGATGCCTCACAGC[A>T]CCAGGGTGGAGGAGGAGGAGAACTGGCATATGCACTCAATAACTTTGACGTAAGTTATGC-3'
Protein context (NP_001894.2, residues 260-280): QATASDDASQ[His270Leu]QGGGGGELAY